The following is an entry in ClinVar:

NM_000481.4(AMT):c.144_148del (p.Lys48fs)

Gene: AMT (aminomethyltransferase; minus strand). Cytogenetic location: 3p21.31.
Variant type: Deletion.
Coding change: c.144_148del on transcript NM_000481.4 (MANE Select); coding-DNA positions 144 to 148, 5 bases deleted (AATGG; older notation c.144_148delAATGG).
Protein change: p.Lys48fs; shifts the reading frame from lysine 48.
Molecular consequence: frameshift variant. On other transcripts: non-coding transcript variant (1), intron variant (1).
Genome position (GRCh38, 1-based): chr3:49,422,214-49,422,218, CCATT deleted on the plus strand (AATGG on the coding strand, the reverse complement: AMT is on the minus strand). VCF-style (leftmost placement, unchanged base first): chr3-49422213-ACCATT-A. GRCh37 (hg19) VCF-style: chr3-49459646-ACCATT-A.
Other names: c.144_148del, p.Lys48fs (NM_001164710.2, NM_001164712.2); c.90+143_90+147del (NM_001164711.2); c.144_148del5 (NM_000481.3); short protein forms K48fs.
Identifiers: ClinVar variation 551785 (VCV000551785.7), dbSNP rs1553638822, ClinGen allele CA658823340.
Genomic context (GRCh38, chr3:49,422,213, plus strand): 5'-AGGTGCGAGTCAGTGTGACTGTCCCGGTACTGCACTGGCAGACTCCAACCCGCAAACGCC[ACCATT>A]TTCCCGCCGTGGGCCAGGTGGAAGTCATAGAGCGGTGTCCTGCGGAGCACCTCCTGTGGG-3'

ClinVar aggregate classification (germline): Pathogenic. Review status: criteria provided, single submitter (1 of 4 stars). 2 submissions from 2 submitters: Pathogenic (1). 1 of the submissions does not count toward it. Last evaluated 2023-07-25.

Conditions:
Glycine encephalopathy 1 (GCE1). Identifiers: MedGen CN376801, MONDO:0958179, OMIM 605899.
Glycine encephalopathy. Also called: Non-ketotic hyperglycinemia; Nonketotic hyperglycinemia. Identifiers: Orphanet 407, MedGen C0751748, MONDO:0011612, HP:0008288.

Submissions (2):

Labcorp Genetics (formerly Invitae), Labcorp
Classification: Pathogenic for Glycine encephalopathy. Last evaluated: 2023-07-25. Review status: criteria provided, single submitter. Criteria: Invitae Variant Classification Sherloc (09022015). Collection method: clinical testing. Allele origin: germline.
Comment: ClinVar contains an entry for this variant (Variation ID: 551785). This variant has not been reported in the literature in individuals affected with AMT-related conditions. This variant is not present in population databases (gnomAD no frequency). This sequence change creates a premature translational stop signal (p.Lys48Asnfs*18) in the AMT gene. It is expected to result in an absent or disrupted protein product. Loss-of-function variants in AMT are known to be pathogenic (PMID: 16450403). For these reasons, this variant has been classified as Pathogenic.

Counsyl
Classification: Likely pathogenic for Glycine encephalopathy 1. Last evaluated: 2017-10-04. Review status: no assertion criteria provided. Collection method: clinical testing. Allele origin: unknown. Not counted in ClinVar's aggregate classification.

Literature cited by the submitters: PubMed 16450403 (cited by Labcorp Genetics (formerly Invitae), Labcorp).